The following is an entry in ClinVar:

ClinVar aggregate classification (germline): Uncertain significance. Review status: criteria provided, multiple submitters, no conflicts (2 of 4 stars). 2 submissions from 2 submitters: Uncertain significance (2). Last evaluated 2024-03-06.

Conditions:
Catecholaminergic polymorphic ventricular tachycardia 1. Also called: VENTRICULAR TACHYCARDIA, CATECHOLAMINERGIC POLYMORPHIC, 1, WITH OR WITHOUT ATRIAL DYSFUNCTION AND/OR DILATED CARDIOMYOPATHY; RYR2-Related Catecholaminergic Polymorphic Ventricular Tachycardia; VENTRICULAR TACHYCARDIA, STRESS-INDUCED POLYMORPHIC 1. Identifiers: Orphanet 3286, MedGen C1631597, MONDO:0011484, OMIM 604772.
Cardiomyopathy (CMYO). Also called: Cardiomyopathies. Identifiers: Orphanet 167848, MedGen C0878544, MONDO:0004994, HP:0001638. Inheritance: Various modes of inheritance.

Allele frequency attached by ClinVar (database versions not stated): gnomAD exomes below 0.00001; gnomAD 0.00001; TOPMed 0.00001.
gnomAD v4.1: 4 of 1,611,404 alleles (0.00025%); highest among the groups gnomAD compares: Non-Finnish European, 0.00034%; no homozygotes.

Submissions (2):

Color Diagnostics, LLC DBA Color Health
Classification: Uncertain significance for Cardiomyopathy. Last evaluated: 2024-03-06. Review status: criteria provided, single submitter. Criteria: ACMG Guidelines, 2015. Collection method: clinical testing. Allele origin: germline.
Comment: This missense variant replaces alanine with glutamic acid at codon 4675 of the RYR2 protein. Computational prediction is inconclusive regarding the impact of this variant on protein structure and function (internally defined REVEL score threshold 0.5 < inconclusive < 0.7, PMID: 27666373). Splice site prediction tools suggest that this variant may not impact RNA splicing. To our knowledge, functional studies have not been performed for this variant. This variant has not been reported in individuals affected with cardiovascular disorders in the literature. This variant has not been identified in the general population by the Genome Aggregation Database (gnomAD). The available evidence is insufficient to determine the role of this variant in disease conclusively. Therefore, this variant is classified as a Variant of Uncertain Significance.

Labcorp Genetics (formerly Invitae), Labcorp
Classification: Uncertain significance for Catecholaminergic polymorphic ventricular tachycardia 1. Last evaluated: 2022-10-24. Review status: criteria provided, single submitter. Criteria: Invitae Variant Classification Sherloc (09022015). Collection method: clinical testing. Allele origin: germline.
Comment: This sequence change replaces alanine, which is neutral and non-polar, with glutamic acid, which is acidic and polar, at codon 4675 of the RYR2 protein (p.Ala4675Glu). This variant is not present in population databases (gnomAD no frequency). This variant has not been reported in the literature in individuals affected with RYR2-related conditions. ClinVar contains an entry for this variant (Variation ID: 925545). Advanced modeling of protein sequence and biophysical properties (such as structural, functional, and spatial information, amino acid conservation, physicochemical variation, residue mobility, and thermodynamic stability) performed at Invitae indicates that this missense variant is not expected to disrupt RYR2 protein function. In summary, the available evidence is currently insufficient to determine the role of this variant in disease. Therefore, it has been classified as a Variant of Uncertain Significance.

NM_001035.3(RYR2):c.14024C>A (p.Ala4675Glu)

Gene: RYR2 (ryanodine receptor 2; plus strand). Cytogenetic location: 1q43.
Variant type: single nucleotide variant.
Coding change: c.14024C>A on transcript NM_001035.3 (MANE Select); coding-DNA position 14024, C replaced by A.
Protein change: p.Ala4675Glu; replaces alanine 4675 with glutamic acid.
Molecular consequence: missense variant.
Genome position (GRCh38, 1-based): chr1:237,798,104, C>A. VCF-style: chr1-237798104-C-A. GRCh37 (hg19) VCF-style: chr1-237961404-C-A.
Other names: short protein forms A4675E.
Identifiers: ClinVar variation 925545 (VCV000925545.7), dbSNP rs1172831046, ClinGen allele CA345419787.